The following is an entry in ClinVar:

NM_006766.5(KAT6A):c.2140AAG[1] (p.Lys715del)

Gene: KAT6A (lysine acetyltransferase 6A; minus strand). Cytogenetic location: 8p11.21.
Variant type: Microsatellite.
Coding change: c.2140AAG[1] on transcript NM_006766.5 (MANE Select); one copy of the 3-base unit AAG starting at c.2140; the reference has two copies in a row; one copy, 3 bases deleted.
Protein change: p.Lys715del; deletes lysine 715.
Molecular consequence: inframe deletion.
Genome position (GRCh38, 1-based): chr8:41,943,831-41,943,833, CTT deleted on the plus strand (AAG on the coding strand, the reverse complement: KAT6A is on the minus strand); deleting any 3 consecutive bases within chr8:41,943,831-41,943,836 gives the same sequence; the position shown is the placement nearest the transcript's 3' end. VCF-style (leftmost placement, unchanged base first): chr8-41943830-ACTT-A. GRCh37 (hg19) VCF-style: chr8-41801348-ACTT-A.
Other names: c.2140AAG[1], p.Lys715del (NM_001305878.2); short protein forms K715del.
Identifiers: ClinVar variation 504267 (VCV000504267.2), dbSNP rs1554682073, ClinGen allele CA658797091.

ClinVar aggregate classification (germline): Uncertain significance (1 of 4 stars; one submission).

Submission:

GeneDx
Classification: Uncertain significance. Last evaluated: 2018-01-31. Review status: criteria provided, single submitter. Criteria: GeneDx Variant Classification (06012015). Collection method: clinical testing. Allele origin: germline. Affected: yes.
Comment: The c.2143_2145delAAG variant has not been published as a pathogenic variant, nor has it been reported as a benign variant to our knowledge. The c.2143_2145delAAG variant is not observed in large population cohorts (Lek et al., 2016). The c.2143_2145delAAG variant results in an in-frame deletion of one amino acid, denoted p.Lys715del. In silico analyses, including protein predictors and evolutionary conservation, support a deleterious effect. Based on the currently available information, it is unclear whether this variant is a pathogenic variant or a rare benign variant.